The following is an entry in ClinVar:

ClinVar aggregate classification (germline): Conflicting classifications of pathogenicity. Review status: criteria provided, conflicting classifications (1 of 4 stars). 12 submissions from 10 submitters: Uncertain significance (6); Benign (1); Likely benign (2). 3 of the submissions do not count toward it. Last evaluated 2026-01-26.

Conditions:
Frasier syndrome. Identifiers: Orphanet 347, MedGen C0950122, MeSH D052159, MONDO:0007635, OMIM 136680.
Drash syndrome (DDS). Also called: NEPHROPATHY, WILMS TUMOR, AND GENITAL ANOMALIES; WILMS TUMOR AND PSEUDO- OR TRUE HERMAPHRODITISM. Identifiers: Orphanet 220, MedGen C0950121, MONDO:0008682, OMIM 194080.
Wilms tumor 1 (WT1). Also called: Wilms tumor, somatic. Identifiers: Orphanet 654, MedGen CN033288, MONDO:0008679, OMIM 194070.
11p partial monosomy syndrome (WAGR). Also called: WAGR syndrome; WAGR Complex; CHROMOSOME 11p13 DELETION SYNDROME; WAGR Spectrum Disorder. Identifiers: Orphanet 893, MedGen C0206115, MONDO:0008681, OMIM 194072.
WT1-related disorder. Also called: WT1-related disorders. Identifiers: MedGen CN377814.
Inborn genetic diseases. Identifiers: MedGen C0950123, MeSH D030342.
Hereditary cancer-predisposing syndrome. Also called: Tumor predisposition; Neoplastic Syndromes, Hereditary; Hereditary Cancer Syndrome; Hereditary neoplastic syndrome. Identifiers: Orphanet 140162, MedGen C0027672, MeSH D009386, MONDO:0015356.
Nephrotic syndrome, type 4 (NPHS4). Also called: Familial mesangial sclerosis; Nephrotic syndrome, early onset with diffuse mesangial sclerosis. Identifiers: Orphanet 656, MedGen C3151568, MONDO:0009733, OMIM 256370.
Meacham syndrome. Also called: Meacham Winn Culler syndrome. Identifiers: Orphanet 3097, MedGen C1837026, MONDO:0012164, OMIM 608978.

Allele frequency attached by ClinVar (database versions not stated): ESP Exome Variant Server 0.00010; gnomAD 0.00018 and 0.00019; TOPMed 0.00018; ExAC 0.00022; gnomAD exomes 0.00023.
gnomAD v4.1: 372 of 1,521,092 alleles (0.024%); highest among the groups gnomAD compares: Non-Finnish European, 0.031%; no homozygotes.

Submissions (12):

Labcorp Genetics (formerly Invitae), Labcorp
Classification: Benign for Wilms tumor 1; Drash syndrome; 11p partial monosomy syndrome; Frasier syndrome. Last evaluated: 2026-01-26. Review status: criteria provided, single submitter. Criteria: Invitae Variant Classification Sherloc (09022015). Collection method: clinical testing. Allele origin: germline.

Ambry Genetics
Classification: Likely benign for Inborn genetic diseases. Last evaluated: 2024-08-21. Review status: criteria provided, single submitter. Criteria: Ambry Variant Classification Scheme 2023. Collection method: clinical testing. Allele origin: germline.

GeneDx
Classification: Likely benign. Last evaluated: 2023-07-24. Review status: criteria provided, single submitter. Criteria: GeneDx Variant Classification Process June 2021. Collection method: clinical testing. Allele origin: germline. Affected: yes.
Comment: See Variant Classification Assertion Criteria.

Sema4
Classification: Uncertain significance for Hereditary cancer-predisposing syndrome. Last evaluated: 2021-11-22. Review status: criteria provided, single submitter. Criteria: Sema4 Curation Guidelines. Collection method: curation. Allele origin: germline.
Comment: The WT1 c.178G>A (p.G60R) variant has not been reported in the literature to our knowledge. This variant was observed in 29/60380 chromosomes in the Non-Finnish European subpopulation, with no homozygotes, in the large and broad cohorts of the Genome Aggregation Database (PMID: 32461654). The variant has been reported in ClinVar (Variation ID: 241478). In silico tools suggest the impact of the variant on protein function is benign, though these predictions have not been confirmed by functional studies. The evidence is insufficient to meet ACMG/AMP criteria for classifying the variant as benign or pathogenic. Thus, the clinical significance of this variant is currently uncertain.

Institute for Clinical Genetics, University Hospital TU Dresden, University Hospital TU Dresden
Classification: Uncertain significance. Last evaluated: 2021-11-03. Review status: criteria provided, single submitter. Criteria: ACMG Guidelines, 2015. Collection method: clinical testing. Allele origin: germline.

Genetic Services Laboratory, University of Chicago
Classification: Uncertain significance. Last evaluated: 2021-01-08. Review status: criteria provided, single submitter. Criteria: ACMG Guidelines, 2015. Collection method: clinical testing. Allele origin: germline. Affected: no.
Comment: This sequence change does not appear to have been previously described in patients with WT1-related disorders and has been described in the gnomAD database with a low population frequency of 0.048% in the non-Finnish European subpopulation (dbSNP rs374404615). The p.Gly65Arg change affects a poorly conserved amino acid residue located in a domain of the WT1 protein that is not known to be functional. The p.Gly65Arg substitution appears to be benign using several in-silico pathogenicity prediction tools (SIFT, PolyPhen2, Align GVGD, REVEL). Due to these contrasting evidences and the lack of functional studies, the clinical significance of the p.Gly65Arg change remains unknown at this time.

Illumina Laboratory Services, Illumina
Classification: Uncertain significance for Wilms tumor 1. Last evaluated: 2018-01-13. Review status: criteria provided, single submitter. Criteria: ICSL Variant Classification Criteria 13 December 2019. Collection method: clinical testing. Allele origin: germline.

Illumina Laboratory Services, Illumina
Classification: Uncertain significance for Nephrotic syndrome, type 4. Last evaluated: 2018-01-13. Review status: criteria provided, single submitter. Criteria: ICSL Variant Classification Criteria 13 December 2019. Collection method: clinical testing. Allele origin: germline.

Illumina Laboratory Services, Illumina
Classification: Uncertain significance for Meacham syndrome. Last evaluated: 2018-01-13. Review status: criteria provided, single submitter. Criteria: ICSL Variant Classification Criteria 13 December 2019. Collection method: clinical testing. Allele origin: germline.

PreventionGenetics, part of Exact Sciences
Classification: Uncertain significance for WT1-related condition. Last evaluated: 2024-07-08. Review status: no assertion criteria provided. Collection method: clinical testing. Allele origin: germline. Not counted in ClinVar's aggregate classification.
Comment: The WT1 c.178G>A variant is predicted to result in the amino acid substitution p.Gly60Arg. To our knowledge, this variant has not been reported in the literature. This variant is reported in 0.048% of alleles in individuals of European (Non-Finnish) descent in gnomAD, which may be too common to be a primary cause of disease. Although we suspect that this variant may be benign, at this time, the clinical significance of this variant is uncertain due to the absence of conclusive functional and genetic evidence.

Clinical Genetics DNA and cytogenetics Diagnostics Lab, Erasmus MC, Erasmus Medical Center
Classification: Likely benign. Review status: no assertion criteria provided. Collection method: clinical testing. Allele origin: germline. Affected: yes. Study: VKGL Data-share Consensus. Not counted in ClinVar's aggregate classification.

Genome Diagnostics Laboratory, University Medical Center Utrecht
Classification: Likely benign. Review status: no assertion criteria provided. Collection method: clinical testing. Allele origin: germline. Affected: yes. Study: VKGL Data-share Consensus. Not counted in ClinVar's aggregate classification.

NM_024426.6(WT1):c.193G>A (p.Gly65Arg)

Genes: WT1 (WT1 transcription factor; minus strand), LOC107982234 (WT1/WT1-AS bi-directional promoter region; plus strand). Cytogenetic location: 11p13.
Variant type: single nucleotide variant.
Coding change: c.193G>A on transcript NM_024426.6 (MANE Select); coding-DNA position 193, G replaced by A.
Protein change: p.Gly65Arg; replaces glycine 65 with arginine.
Molecular consequence: missense variant. On other transcripts: non-coding transcript variant (1).
Genome position (GRCh38, 1-based): chr11:32,435,168, C>T on the plus strand (G>A on the coding strand, the complement: WT1 is on the minus strand). VCF-style: chr11-32435168-C-T. GRCh37 (hg19) VCF-style: chr11-32456714-C-T.
Other names: c.193G>A, p.Gly65Arg (NM_000378.6, NM_024424.5); short protein forms G65R.
Identifiers: ClinVar variation 241478 (VCV000241478.27), dbSNP rs374404615, ClinGen allele CA064714.